The following is an entry in ClinVar:

ClinVar aggregate classification (germline): Conflicting classifications of pathogenicity. Review status: criteria provided, conflicting classifications (1 of 4 stars). 2 submissions from 2 submitters: Uncertain significance (1); Likely benign (1). Last evaluated 2025-06-05.

Conditions:
NRXN3-related disorder. Also called: NRXN3-related condition.

Allele frequency attached by ClinVar (database versions not stated): gnomAD exomes 0.00002 and 0.00001; ExAC 0.00003; TOPMed 0.00006.
gnomAD v4.1: 6 of 1,591,082 alleles (0.00038%); highest among the groups gnomAD compares: Admixed American, 0.01%; no homozygotes.

Submissions (2):

PreventionGenetics, part of Exact Sciences
Classification: Uncertain significance for NRXN3-related condition. Last evaluated: 2025-06-05. Review status: criteria provided, single submitter. Criteria: ACMG Guidelines, 2015. Collection method: clinical testing. Allele origin: germline.
Comment: The NRXN3 c.2144-10G>A variant is predicted to interfere with splicing. To our knowledge, this variant has not been reported in the literature. This variant is reported in 0.015% of alleles in individuals of Latino descent in gnomAD. However, the use of computer prediction programs is not equivalent to functional evidence, and therefore the clinical significance of this variant is uncertain.

Labcorp Genetics (formerly Invitae), Labcorp
Classification: Likely benign. Last evaluated: 2018-05-25. Review status: criteria provided, single submitter. Criteria: Invitae Variant Classification Sherloc (09022015). Collection method: clinical testing. Allele origin: germline.

NM_001330195.2(NRXN3):c.3263-10G>A

Gene: NRXN3 (neurexin 3; plus strand). Cytogenetic location: 14q31.1.
Variant type: single nucleotide variant.
Coding change: c.3263-10G>A on transcript NM_001330195.2 (MANE Select); 10 bases into the intron before coding-DNA position 3263, G replaced by A.
Molecular consequence: intron variant.
Genome position (GRCh38, 1-based): chr14:79,467,211, G>A. VCF-style: chr14-79467211-G-A. GRCh37 (hg19) VCF-style: chr14-79933554-G-A.
Other names: c.3275-10G>A (NM_001366426.1); c.3263-10G>A (NM_001366425.1); c.2144-10G>A (NM_004796.6); c.248-10G>A (NM_001105250.3, NM_138970.5, NM_001272020.2).
Identifiers: ClinVar variation 756345 (VCV000756345.4), dbSNP rs771003695, ClinGen allele CA7292222.
Genomic context (GRCh38, chr14:79,467,211, plus strand): 5'-CAACAGTGTGCTACAGCTGGCTGTATGCAATGTAGTGCCTTGATGTCTCCCTCTCTCCTT[G>A]CTTTTGCAGCTGGCGCTACGTACATCTTTGGGAAAAGTGGTGGGCTTATCCTCTACACCT-3'